The following is an entry in ClinVar:

NM_024408.4(NOTCH2):c.4270A>G (p.Thr1424Ala)

Gene: NOTCH2 (notch receptor 2; minus strand). Cytogenetic location: 1p12.
Variant type: single nucleotide variant.
Coding change: c.4270A>G on transcript NM_024408.4 (MANE Select); coding-DNA position 4270, A replaced by G.
Protein change: p.Thr1424Ala; replaces threonine 1424 with alanine.
Molecular consequence: missense variant.
Genome position (GRCh38, 1-based): chr1:119,925,546, T>C on the plus strand (A>G on the coding strand, the complement: NOTCH2 is on the minus strand). VCF-style: chr1-119925546-T-C. GRCh37 (hg19) VCF-style: chr1-120468169-T-C.
Other names: c.4270A>G (NM_024408.3); short protein forms T1424A.
Identifiers: ClinVar variation 1437501 (VCV001437501.9), dbSNP rs760325217, ClinGen allele CA1039883.

ClinVar aggregate classification (germline): Uncertain significance. Review status: criteria provided, multiple submitters, no conflicts (2 of 4 stars). 3 submissions from 3 submitters: Uncertain significance (3). Last evaluated 2025-11-18.

Conditions:
Hajdu-Cheney syndrome (HJCYS). Also called: ACROOSTEOLYSIS WITH OSTEOPOROSIS AND CHANGES IN SKULL AND MANDIBLE; SERPENTINE FIBULA-POLYCYSTIC KIDNEY SYNDROME; Acroosteolysis dominant type. Identifiers: Orphanet 955, MedGen C0917715, MONDO:0007057, OMIM 102500.
Alagille syndrome due to a NOTCH2 point mutation. Also called: Alagille syndrome 2. Identifiers: Orphanet 261629, Orphanet 52, MedGen C1857761, MONDO:0012439, OMIM 610205.
Inborn genetic diseases. Identifiers: MedGen C0950123, MeSH D030342.

Allele frequency attached by ClinVar (database versions not stated): ExAC 0.00002; gnomAD exomes 0.00002 and 0.00006; gnomAD 0.00003; TOPMed 0.00003.
gnomAD v4.1: 87 of 1,613,820 alleles (0.0054%); highest among the groups gnomAD compares: Non-Finnish European, 0.007%; no homozygotes.

Submissions (3):

Labcorp Genetics (formerly Invitae), Labcorp
Classification: Uncertain significance for Hajdu-Cheney syndrome. Last evaluated: 2025-11-18. Review status: criteria provided, single submitter. Criteria: Invitae Variant Classification Sherloc (09022015). Collection method: clinical testing. Allele origin: germline.
Comment: This sequence change replaces threonine, which is neutral and polar, with alanine, which is neutral and non-polar, at codon 1424 of the NOTCH2 protein (p.Thr1424Ala). This variant is present in population databases (rs760325217, gnomAD 0.004%). This variant has not been reported in the literature in individuals affected with NOTCH2-related conditions. ClinVar contains an entry for this variant (Variation ID: 1437501). Invitae Evidence Modeling of protein sequence and biophysical properties (such as structural, functional, and spatial information, amino acid conservation, physicochemical variation, residue mobility, and thermodynamic stability) indicates that this missense variant is not expected to disrupt NOTCH2 protein function with a negative predictive value of 95%. In summary, the available evidence is currently insufficient to determine the role of this variant in disease. Therefore, it has been classified as a Variant of Uncertain Significance.

Ambry Genetics
Classification: Uncertain significance for Inborn genetic diseases. Last evaluated: 2023-04-07. Review status: criteria provided, single submitter. Criteria: Ambry Variant Classification Scheme 2023. Collection method: clinical testing. Allele origin: germline.

Fulgent Genetics
Classification: Uncertain significance for Hajdu-Cheney syndrome; Alagille syndrome due to a NOTCH2 point mutation. Last evaluated: 2021-12-27. Review status: criteria provided, single submitter. Criteria: ACMG Guidelines, 2015. Collection method: clinical testing. Allele origin: unknown.